The following is an entry in ClinVar:

ClinVar aggregate classification (germline): Benign/Likely benign. Review status: criteria provided, multiple submitters, no conflicts (2 of 4 stars). 5 submissions from 2 submitters: Benign (3); Likely benign (2). Last evaluated 2018-01-12.

Conditions:
Jervell and Lange-Nielsen syndrome 1 (JLNS1). Also called: CARDIOAUDITORY SYNDROME OF JERVELL AND LANGE-NIELSEN; DEAFNESS, CONGENITAL, AND FUNCTIONAL HEART DISEASE; PROLONGED QT INTERVAL IN EKG AND SUDDEN DEATH; SURDO-CARDIAC SYNDROME. Identifiers: Orphanet 768, Orphanet 90647, MedGen C4551509, MONDO:0024540, OMIM 220400.
Short QT syndrome type 2. Identifiers: Orphanet 51083, MedGen C1865019, MONDO:0012313, OMIM 609621.
Long QT syndrome 1 (LQT1). Identifiers: Orphanet 101016, Orphanet 768, MedGen C4551647, MONDO:0100316, OMIM 192500, MONDO:0008646.
Atrial fibrillation, familial, 3 (ATFB3). Identifiers: MedGen C1837014, MONDO:0011857, OMIM 607554.

Allele frequency attached by ClinVar (database versions not stated): 1000 Genomes Project 0.01038; 1000 Genomes Project 30x 0.01109; gnomAD 0.01114 and 0.01143; TOPMed 0.01256; gnomAD exomes 0.01450 and 0.01492; ExAC 0.03326.
gnomAD v4.1: 9,142 of 644,022 alleles (1.4%); highest among the groups gnomAD compares: Middle Eastern, 4.7%; 101 homozygotes.

Submissions (5):

Illumina Laboratory Services, Illumina
Classification: Benign for Long QT syndrome 1. Last evaluated: 2018-01-12. Review status: criteria provided, single submitter. Criteria: ICSL Variant Classification Criteria 13 December 2019. Collection method: clinical testing. Allele origin: germline.
Comment: This variant was observed in the ICSL laboratory as part of a predisposition screen in an ostensibly healthy population. It had not been previously curated by ICSL or reported in the Human Gene Mutation Database (HGMD: prior to June 1st, 2018), and was therefore a candidate for classification through an automated scoring system. Utilizing variant allele frequency, disease prevalence and penetrance estimates, and inheritance mode, an automated score was calculated to assess if this variant is too frequent to cause the disease. Based on the score and internal cut-off values, a variant classified as benign is not then subjected to further curation. The score for this variant resulted in a classification of benign for this disease.

Illumina Laboratory Services, Illumina
Classification: Likely benign for Atrial fibrillation, familial, 3. Last evaluated: 2018-01-12. Review status: criteria provided, single submitter. Criteria: ICSL Variant Classification Criteria 13 December 2019. Collection method: clinical testing. Allele origin: germline.
Comment: This variant was observed in the ICSL laboratory as part of a predisposition screen in an ostensibly healthy population. It had not been previously curated by ICSL or reported in the Human Gene Mutation Database (HGMD: prior to June 1st, 2018), and was therefore a candidate for classification through an automated scoring system. Utilizing variant allele frequency, disease prevalence and penetrance estimates, and inheritance mode, an automated score was calculated to assess if this variant is too frequent to cause the disease. Based on the score and internal cut-off values, a variant classified as likely benign is not then subjected to further curation. The score for this variant resulted in a classification of likely benign for this disease.

Illumina Laboratory Services, Illumina
Classification: Benign for Short QT syndrome type 2. Last evaluated: 2018-01-12. Review status: criteria provided, single submitter. Criteria: ICSL Variant Classification Criteria 13 December 2019. Collection method: clinical testing. Allele origin: germline.
Comment: the same text as in the submission from Illumina Laboratory Services, Illumina above.

Illumina Laboratory Services, Illumina
Classification: Benign for Jervell and Lange-Nielsen syndrome 1. Last evaluated: 2018-01-12. Review status: criteria provided, single submitter. Criteria: ICSL Variant Classification Criteria 13 December 2019. Collection method: clinical testing. Allele origin: germline.
Comment: the same text as in the submission from Illumina Laboratory Services, Illumina above.

Breakthrough Genomics
Classification: Likely benign. Review status: criteria provided, single submitter. Criteria: ACMG Guidelines, 2015. Collection method: not provided. Allele origin: germline. Inheritance: Autosomal recessive inheritance. Affected: yes.

NM_000218.3(KCNQ1):c.*264T>C

Genes: KCNQ1 (potassium voltage-gated channel subfamily Q member 1; plus strand), KCNQ1-AS1 (KCNQ1 antisense RNA 1; minus strand). Cytogenetic location: 11p15.4.
Variant type: single nucleotide variant.
Coding change: c.*264T>C on transcript NM_000218.3 (MANE Select); 264 bases downstream of the stop codon, T replaced by C.
Molecular consequence: 3 prime UTR variant.
Genome position (GRCh38, 1-based): chr11:2,848,267, T>C. VCF-style: chr11-2848267-T-C. GRCh37 (hg19) VCF-style: chr11-2869497-T-C.
Other names: c.*264T>C (NM_001406836.1, NM_001406837.1, NM_001406838.1 and 2 more transcripts).
Identifiers: ClinVar variation 304238 (VCV000304238.9), dbSNP rs45579540, ClinGen allele CA034673.